The following is an entry in ClinVar:

NM_006265.3(RAD21):c.1390G>C (p.Asp464His)

Gene: RAD21 (RAD21 cohesin complex component; minus strand). Cytogenetic location: 8q24.11.
Variant type: single nucleotide variant.
Coding change: c.1390G>C on transcript NM_006265.3 (MANE Select); coding-DNA position 1390, G replaced by C.
Protein change: p.Asp464His; replaces aspartic acid 464 with histidine.
Molecular consequence: missense variant.
Genome position (GRCh38, 1-based): chr8:116,852,028, C>G on the plus strand (G>C on the coding strand, the complement: RAD21 is on the minus strand). VCF-style: chr8-116852028-C-G. GRCh37 (hg19) VCF-style: chr8-117864267-C-G.
Other names: short protein forms D464H.
Identifiers: ClinVar variation 3719314 (VCV003719314.2).
Genomic context (GRCh38, chr8:116,852,028, plus strand): 5'-CAATTTGTCCAGCTTTTCGCTTAACTCCCTGAGGTGGTGGTGGAGGCATAGCTGACTCAT[C>G]TATGTTTGTTCTGCTGGCCTCCATCACTGACTCCTGGAGGCGGCTTGGCTCTTCAATAAT-3'
Protein context (NP_006256.1, residues 454-474): SVMEASRTNI[Asp464His]ESAMPPPPPQ

ClinVar aggregate classification (germline): Uncertain significance (1 of 4 stars; one submission).

Conditions:
Cornelia de Lange syndrome 4 (CDLS4). Also called: RAD21-Related Cornelia de Lange Syndrome; CORNELIA DE LANGE SYNDROME 4 WITH OR WITHOUT MIDLINE BRAIN DEFECTS. Identifiers: Orphanet 199, MedGen C3553517, MONDO:0013864, OMIM 614701.

Submission:

Labcorp Genetics (formerly Invitae), Labcorp
Classification: Uncertain significance for Cornelia de Lange syndrome 4. Last evaluated: 2025-03-01. Review status: criteria provided, single submitter. Criteria: Invitae Variant Classification Sherloc (09022015). Collection method: clinical testing. Allele origin: germline.
Comment: This sequence change replaces aspartic acid, which is acidic and polar, with histidine, which is basic and polar, at codon 464 of the RAD21 protein (p.Asp464His). This variant is not present in population databases (gnomAD no frequency). This variant has not been reported in the literature in individuals affected with RAD21-related conditions. Invitae Evidence Modeling of protein sequence and biophysical properties (such as structural, functional, and spatial information, amino acid conservation, physicochemical variation, residue mobility, and thermodynamic stability) has been performed for this missense variant. However, the output from this modeling did not meet the statistical confidence thresholds required to predict the impact of this variant on RAD21 protein function. In summary, the available evidence is currently insufficient to determine the role of this variant in disease. Therefore, it has been classified as a Variant of Uncertain Significance.